The following is an entry in ClinVar:

NM_001142864.4(PIEZO1):c.2232_2240dup (p.Gln746_Gln747insHisGlnGln)

Genes: HSALR1 (HSP90AB1 associated lncRNA 1; plus strand), PIEZO1 (piezo type mechanosensitive ion channel component 1 (Er blood group); minus strand). Cytogenetic location: 16q24.3.
Variant type: Duplication.
Coding change: c.2232_2240dup on transcript NM_001142864.4 (MANE Select); coding-DNA positions 2232 to 2240, 9 bases duplicated (TCAGCAGCA; older notation c.2232_2240dupTCAGCAGCA).
Protein change: p.Gln746_Gln747insHisGlnGln.
Genome position (GRCh38, 1-based): chr16:88,733,995-88,734,003, TGCTGCTGA duplicated on the plus strand (TCAGCAGCA on the coding strand, the reverse complement: PIEZO1 is on the minus strand); duplicating any 9 consecutive bases within chr16:88,733,995-88,734,007 gives the same sequence; the c. name uses the placement nearest the transcript's 3' end. VCF-style (leftmost placement, unchanged base first): chr16-88733994-C-CTGCTGCTGA. GRCh37 (hg19) VCF-style: chr16-88800402-C-CTGCTGCTGA.
Identifiers: ClinVar variation 3657182 (VCV003657182.2).

ClinVar aggregate classification (germline): Uncertain significance (1 of 4 stars; one submission).

Submission:

Labcorp Genetics (formerly Invitae), Labcorp
Classification: Uncertain significance. Last evaluated: 2024-06-20. Review status: criteria provided, single submitter. Criteria: Invitae Variant Classification Sherloc (09022015). Collection method: clinical testing. Allele origin: germline.
Comment: This variant, c.2232_2240dup, results in the insertion of 3 amino acid(s) of the PIEZO1 protein (p.His744_Gln746dup), but otherwise preserves the integrity of the reading frame. This variant is not present in population databases (gnomAD no frequency). This variant has not been reported in the literature in individuals affected with PIEZO1-related conditions. In summary, the available evidence is currently insufficient to determine the role of this variant in disease. Therefore, it has been classified as a Variant of Uncertain Significance.